The following is an entry in ClinVar:

NM_001191061.2(SLC25A22):c.-151G>A

Gene: SLC25A22 (solute carrier family 25 member 22; minus strand). Cytogenetic location: 11p15.5.
Variant type: single nucleotide variant.
Coding change: c.-151G>A on transcript NM_001191061.2 (MANE Select); 151 bases upstream of the start codon, G replaced by A.
Molecular consequence: 5 prime UTR variant.
Genome position (GRCh38, 1-based): chr11:795,157, C>T on the plus strand (G>A on the coding strand, the complement: SLC25A22 is on the minus strand). VCF-style: chr11-795157-C-T. GRCh37 (hg19) VCF-style: chr11-795157-C-T.
Other names: c.-151G>A (NM_001191060.2, NM_024698.6).
Identifiers: ClinVar variation 139129 (VCV000139129.5), dbSNP rs587781167, ClinGen allele CA293509.

ClinVar aggregate classification (germline): Conflicting classifications of pathogenicity. Review status: criteria provided, conflicting classifications (1 of 4 stars). 2 submissions from 2 submitters: Uncertain significance (1); Benign (1). Last evaluated 2018-01-13.

Conditions:
Early Myoclonic Encephalopathy. Identifiers: MedGen C0270855.

Allele frequency attached by ClinVar (database versions not stated): TOPMed 0.00011; gnomAD 0.00009; gnomAD exomes 0.00009.
gnomAD v4.1: 83 of 919,202 alleles (0.009%); highest among the groups gnomAD compares: Non-Finnish European, 0.013%; no homozygotes.

Submissions (2):

Illumina Laboratory Services, Illumina
Classification: Uncertain significance for Developmental and epileptic encephalopathy, 3. Last evaluated: 2018-01-13. Review status: criteria provided, single submitter. Criteria: ICSL Variant Classification Criteria 13 December 2019. Collection method: clinical testing. Allele origin: germline.

GeneDx
Classification: Benign. Last evaluated: 2013-07-15. Review status: criteria provided, single submitter. Criteria: GeneDx Variant Classification (06012015). Collection method: clinical testing. Allele origin: germline. Affected: yes.
Comment: This variant is considered likely benign or benign based on one or more of the following criteria: it is a conservative change, it occurs at a poorly conserved position in the protein, it is predicted to be benign by multiple in silico algorithms, and/or has population frequency not consistent with disease.